The following is an entry in ClinVar:

ClinVar aggregate classification (germline): Uncertain significance (1 of 4 stars; one submission).

Conditions:
Cardiovascular phenotype. Identifiers: MedGen CN230736.

gnomAD v4.1: 2 of 1,614,130 alleles (0.00012%); highest among the groups gnomAD compares: African/African-American, 0.0013%; no homozygotes.

Submission:

Ambry Genetics
Classification: Uncertain significance for Cardiovascular phenotype. Last evaluated: 2022-09-26. Review status: criteria provided, single submitter. Criteria: Ambry Variant Classification Scheme 2023. Collection method: clinical testing. Allele origin: germline.
Comment: The p.Q290E variant (also known as c.868C>G), located in coding exon 7 of the TBX5 gene, results from a C to G substitution at nucleotide position 868. The glutamine at codon 290 is replaced by glutamic acid, an amino acid with highly similar properties. This amino acid position is conserved. In addition, the in silico prediction for this alteration is inconclusive. Since supporting evidence is limited at this time, the clinical significance of this alteration remains unclear.

NM_181486.4(TBX5):c.868C>G (p.Gln290Glu)

Gene: TBX5 (T-box transcription factor 5; minus strand). Cytogenetic location: 12q24.21.
Variant type: single nucleotide variant.
Coding change: c.868C>G on transcript NM_181486.4 (MANE Select); coding-DNA position 868, C replaced by G.
Protein change: p.Gln290Glu; replaces glutamine 290 with glutamic acid.
Molecular consequence: missense variant.
Genome position (GRCh38, 1-based): chr12:114,366,279, G>C on the plus strand (C>G on the coding strand, the complement: TBX5 is on the minus strand). VCF-style: chr12-114366279-G-C. GRCh37 (hg19) VCF-style: chr12-114804084-G-C.
Other names: c.868C>G, p.Gln290Glu (NM_000192.3); c.718C>G, p.Gln240Glu (NM_080717.4); short protein forms Q240E, Q290E.
Identifiers: ClinVar variation 1764310 (VCV001764310.2), dbSNP rs1565927747, ClinGen allele CA386926462.